The following is an entry in ClinVar:

ClinVar aggregate classification (germline): Pathogenic (1 of 4 stars; one submission).

Submission:

Labcorp Genetics (formerly Invitae), Labcorp
Classification: Pathogenic. Last evaluated: 2022-02-10. Review status: criteria provided, single submitter. Criteria: Invitae Variant Classification Sherloc (09022015). Collection method: clinical testing. Allele origin: germline.
Comment: This sequence change results in a frameshift in the CPLANE1 gene (p.Ser3133Ilefs*85). While this is not anticipated to result in nonsense mediated decay, it is expected to disrupt the last 65 amino acid(s) of the CPLANE1 protein and extend the protein by 19 additional amino acid residues. This variant is not present in population databases (gnomAD no frequency). This frameshift has been observed in individual(s) with clinical features of Joubert syndrome and related disorders (Invitae). In at least one individual the data is consistent with being in trans (on the opposite chromosome) from a pathogenic variant. Experimental studies and prediction algorithms are not available or were not evaluated, and the functional significance of this variant is currently unknown. For these reasons, this variant has been classified as Pathogenic.

NM_001384732.1(CPLANE1):c.9560del (p.Ser3187fs)

Gene: CPLANE1 (ciliogenesis and planar polarity effector complex subunit 1; minus strand). Cytogenetic location: 5p13.2.
Variant type: Deletion.
Coding change: c.9560del on transcript NM_001384732.1 (MANE Select); coding-DNA position 9560, one base deleted (G; older notation c.9560delG).
Protein change: p.Ser3187fs; shifts the reading frame from serine 3187.
Molecular consequence: frameshift variant.
Genome position (GRCh38, 1-based): chr5:37,108,312, C deleted on the plus strand (G on the coding strand, the reverse complement: CPLANE1 is on the minus strand). VCF-style (leftmost placement, unchanged base first): chr5-37108311-AC-A. GRCh37 (hg19) VCF-style: chr5-37108413-AC-A.
Other names: c.9398del, p.Ser3133fs (NM_023073.4); short protein forms S3133fs, S3187fs.
Identifiers: ClinVar variation 1454445 (VCV001454445.8), dbSNP rs2149857098, ClinGen allele CA2573139692.